The following is an entry in ClinVar:

ClinVar aggregate classification (germline): Benign/Likely benign. Review status: criteria provided, multiple submitters, no conflicts (2 of 4 stars). 6 submissions from 6 submitters: Benign (2); Likely benign (3). 1 of the submissions does not count toward it. Last evaluated 2026-01-19.

Conditions:
Dyskeratosis congenita. Identifiers: Orphanet 1775, MedGen C0265965, MONDO:0015780.
Cerebroretinal microangiopathy with calcifications and cysts 1 (CRMCC1). Identifiers: Orphanet 313838, MedGen C4552029, MONDO:0024564, OMIM 612199.

Allele frequency attached by ClinVar (database versions not stated): ESP Exome Variant Server 0.00017; 1000 Genomes Project 0.00020; 1000 Genomes Project 30x 0.00031; TOPMed 0.00031; gnomAD 0.00044 and 0.00052; gnomAD exomes 0.00044 and 0.00073; ExAC 0.00073.
gnomAD v4.1: 718 of 1,611,800 alleles (0.045%); highest among the groups gnomAD compares: East Asian, 0.75%; 4 homozygotes.

Submissions (6):

Labcorp Genetics (formerly Invitae), Labcorp
Classification: Benign for Dyskeratosis congenita. Last evaluated: 2026-01-19. Review status: criteria provided, single submitter. Criteria: Invitae Variant Classification Sherloc (09022015). Collection method: clinical testing. Allele origin: germline.

Blueprint Genetics
Classification: Likely benign. Last evaluated: 2024-11-19. Review status: criteria provided, single submitter. Criteria: ACMG Guidelines, 2015. Collection method: clinical testing. Allele origin: germline.

Genome-Nilou Lab
Classification: Benign for Cerebroretinal microangiopathy with calcifications and cysts 1. Last evaluated: 2021-07-15. Review status: criteria provided, single submitter. Criteria: ACMG Guidelines, 2015. Collection method: clinical testing. Allele origin: germline. Affected: no.

Sema4
Classification: Likely benign for Dyskeratosis congenita. Last evaluated: 2020-11-27. Review status: criteria provided, single submitter. Criteria: Sema4 Curation Guidelines. Collection method: curation. Allele origin: germline.

Illumina Laboratory Services, Illumina
Classification: Likely benign for Dyskeratosis congenita. Last evaluated: 2018-01-13. Review status: criteria provided, single submitter. Criteria: ICSL Variant Classification Criteria 13 December 2019. Collection method: clinical testing. Allele origin: germline.
Comment: This variant was observed in the ICSL laboratory as part of a predisposition screen in an ostensibly healthy population. It had not been previously curated by ICSL or reported in the Human Gene Mutation Database (HGMD: prior to June 1st, 2018), and was therefore a candidate for classification through an automated scoring system. Utilizing variant allele frequency, disease prevalence and penetrance estimates, and inheritance mode, an automated score was calculated to assess if this variant is too frequent to cause the disease. Based on the score and internal cut-off values, a variant classified as likely benign is not then subjected to further curation. The score for this variant resulted in a classification of likely benign for this disease.

Genetic Services Laboratory, University of Chicago
Classification: Likely benign. Last evaluated: 2022-06-28. Review status: no assertion criteria provided. Collection method: clinical testing. Allele origin: germline. Affected: no. Not counted in ClinVar's aggregate classification.

NM_025099.6(CTC1):c.189C>G (p.Leu63=)

Gene: CTC1 (CST telomere replication complex component 1; minus strand). Cytogenetic location: 17p13.1.
Variant type: single nucleotide variant.
Coding change: c.189C>G on transcript NM_025099.6 (MANE Select); coding-DNA position 189, C replaced by G.
Protein change: p.Leu63=; no amino-acid change (leucine 63 retained).
Molecular consequence: synonymous variant. On other transcripts: non-coding transcript variant (1).
Genome position (GRCh38, 1-based): chr17:8,242,993, G>C on the plus strand (C>G on the coding strand, the complement: CTC1 is on the minus strand). VCF-style: chr17-8242993-G-C. GRCh37 (hg19) VCF-style: chr17-8146311-G-C.
Identifiers: ClinVar variation 326088 (VCV000326088.20), dbSNP rs188658691, ClinGen allele CA8372699.